The following is an entry in ClinVar:

NM_001267550.2(TTN):c.72858del (p.Gly24286_Leu24287insTer)

Genes: TTN (titin; minus strand), TTN-AS1 (TTN antisense RNA 1; plus strand). Cytogenetic location: 2q31.2.
Variant type: Deletion.
Coding change: c.72858del on transcript NM_001267550.2 (MANE Select); coding-DNA position 72858, one base deleted (A; older notation c.72858delA).
Protein change: p.Gly24286_Leu24287insTer.
Molecular consequence: frameshift variant. On other transcripts: nonsense (1).
Genome position (GRCh38, 1-based): chr2:178,573,274, T deleted on the plus strand (A on the coding strand, the reverse complement: TTN is on the minus strand). VCF-style (leftmost placement, unchanged base first): chr2-178573273-GT-G. GRCh37 (hg19) VCF-style: chr2-179438000-GT-G.
Other names: c.67935del, p.Gly22645_Leu22646insTer (NM_001256850.1); c.72858delA, p.Leu24287Terfs (NM_001267550.1); c.45663del, p.Gly15221_Leu15222insTer (NM_003319.4); c.65154del, p.Gly21718_Leu21719insTer (NM_133378.4); c.46038del, p.Gly15346_Leu15347insTer (NM_133432.3); c.46239del, p.Gly15413_Leu15414insTer (NM_133437.4).
Identifiers: ClinVar variation 5018260 (VCV005018260.1).

ClinVar aggregate classification (germline): Likely pathogenic (1 of 4 stars; one submission).

Submission:

GeneDx
Classification: Likely pathogenic. Last evaluated: 2026-04-06. Review status: criteria provided, single submitter. Criteria: GeneDx Variant Classification Process June 2021. Collection method: clinical testing. Allele origin: germline.
Comment: Nonsense variant predicted to result in protein truncation or nonsense mediated decay in a gene for which loss of function is a known mechanism of disease; Not observed at significant frequency in large population cohorts (gnomAD); Has not been previously published as pathogenic or benign to our knowledge; This variant is associated with the following publications: (PMID: 22335739, 32778822)